The following is an entry in ClinVar:

ClinVar aggregate classification (germline): Uncertain significance. Review status: criteria provided, multiple submitters, no conflicts (2 of 4 stars). 3 submissions from 3 submitters: Uncertain significance (3). Last evaluated 2023-08-31.

Conditions:
Inborn genetic diseases. Identifiers: MedGen C0950123, MeSH D030342.

Allele frequency attached by ClinVar (database versions not stated): gnomAD exomes 0.00001; ExAC 0.00002; ESP Exome Variant Server 0.00015.
gnomAD v4.1: 11 of 1,614,050 alleles (0.00068%); highest among the groups gnomAD compares: Non-Finnish European, 0.00093%; no homozygotes.

Submissions (3):

Blueprint Genetics
Classification: Uncertain significance. Last evaluated: 2023-08-31. Review status: criteria provided, single submitter. Criteria: ACMG Guidelines, 2015. Collection method: clinical testing. Allele origin: germline.

Ambry Genetics
Classification: Uncertain significance for Inborn genetic diseases. Last evaluated: 2023-04-19. Review status: criteria provided, single submitter. Criteria: Ambry Variant Classification Scheme 2023. Collection method: clinical testing. Allele origin: germline.

Labcorp Genetics (formerly Invitae), Labcorp
Classification: Uncertain significance. Last evaluated: 2021-09-17. Review status: criteria provided, single submitter. Criteria: Invitae Variant Classification Sherloc (09022015). Collection method: clinical testing. Allele origin: germline.
Comment: This sequence change replaces methionine with valine at codon 964 of the VPS13D protein (p.Met964Val). The methionine residue is moderately conserved and there is a small physicochemical difference between methionine and valine. In summary, the available evidence is currently insufficient to determine the role of this variant in disease. Therefore, it has been classified as a Variant of Uncertain Significance. Algorithms developed to predict the effect of missense changes on protein structure and function output the following: SIFT: "Not Available"; PolyPhen-2: "Possibly Damaging"; Align-GVGD: "Not Available". The valine amino acid residue is found in multiple mammalian species, which suggests that this missense change does not adversely affect protein function. This variant has not been reported in the literature in individuals affected with VPS13D-related conditions. This variant is present in population databases (rs369300065, ExAC 0.003%).

NM_015378.4(VPS13D):c.2890A>G (p.Met964Val)

Gene: VPS13D (vacuolar protein sorting 13 homolog D; plus strand). Cytogenetic location: 1p36.22.
Variant type: single nucleotide variant.
Coding change: c.2890A>G on transcript NM_015378.4 (MANE Select); coding-DNA position 2890, A replaced by G.
Protein change: p.Met964Val; replaces methionine 964 with valine.
Molecular consequence: missense variant.
Genome position (GRCh38, 1-based): chr1:12,276,478, A>G. VCF-style: chr1-12276478-A-G. GRCh37 (hg19) VCF-style: chr1-12336535-A-G.
Other names: c.2890A>G, p.Met964Val (NM_018156.4); c.2890A>G (NM_015378.2); short protein forms M964V.
Identifiers: ClinVar variation 1495152 (VCV001495152.8), dbSNP rs369300065, ClinGen allele CA601887.